The following is an entry in ClinVar:

NM_007144.3(PCGF2):c.265+2T>C

Gene: PCGF2 (polycomb group ring finger 2; minus strand). Cytogenetic location: 17q12.
Variant type: single nucleotide variant.
Coding change: c.265+2T>C on transcript NM_007144.3 (MANE Select); the canonical splice donor site of the intron after coding-DNA position 265, T replaced by C.
Molecular consequence: splice donor variant.
Genome position (GRCh38, 1-based): chr17:38,739,196, A>G on the plus strand (T>C on the coding strand, the complement: PCGF2 is on the minus strand). VCF-style: chr17-38739196-A-G. GRCh37 (hg19) VCF-style: chr17-36895449-A-G.
Other names: c.265+2T>C (NM_001369614.1, NM_001369615.1).
Identifiers: ClinVar variation 3343242 (VCV003343242.1).

ClinVar aggregate classification (germline): Uncertain significance (1 of 4 stars; one submission).

Submission:

GeneDx
Classification: Uncertain significance. Last evaluated: 2023-05-02. Review status: criteria provided, single submitter. Criteria: GeneDx Variant Classification Process June 2021. Collection method: clinical testing. Allele origin: germline. Affected: yes.
Comment: Not observed at significant frequency in large population cohorts (gnomAD); Canonical splice site variant in a gene or region of a gene for which loss of function is not a well-established mechanism of disease; Has not been previously published as pathogenic or benign to our knowledge